The following is an entry in ClinVar:

NM_022575.4(VPS16):c.2287T>C (p.Cys763Arg)

Genes: PTPRA (protein tyrosine phosphatase receptor type A; plus strand), VPS16 (VPS16 core subunit of CORVET and HOPS complexes; plus strand). Cytogenetic location: 20p13.
Variant type: single nucleotide variant.
Coding change: c.2287T>C on transcript NM_022575.4 (MANE Select); coding-DNA position 2287, T replaced by C.
Protein change: p.Cys763Arg; replaces cysteine 763 with arginine.
Molecular consequence: missense variant. On other transcripts: intron variant (1).
Genome position (GRCh38, 1-based): chr20:2,866,227, T>C. VCF-style: chr20-2866227-T-C. GRCh37 (hg19) VCF-style: chr20-2846873-T-C.
Other names: c.1855T>C, p.Cys619Arg (NM_080413.3); c.-129+910T>C (NM_002836.4); short protein forms C619R, C763R.
Identifiers: ClinVar variation 3234309 (VCV003234309.19), dbSNP rs368012474, ClinGen allele CA9738080.
Genomic context (GRCh38, chr20:2,866,227, plus strand): 5'-GGCTGTGCATTACCTTCTCCCTCCACCCGCTTCCTCTCCTCCAAGCCTTTTGTGGAGATC[T>C]GCATGAAACAACATAACAAATACGAAGCCAAGAAGTATGCTTCCCGCGTGGGTCCCGAGC-3'
Protein context (NP_072097.2, residues 753-773): PIGYLPFVEI[Cys763Arg]MKQHNKYEAK

ClinVar aggregate classification (germline): Uncertain significance (1 of 4 stars; one submission).

Allele frequency attached by ClinVar (database versions not stated): ESP Exome Variant Server 0.00008; ExAC 0.00001; gnomAD 0.00001; TOPMed below 0.00001; gnomAD exomes 0.00001.
gnomAD v4.1: 11 of 1,614,048 alleles (0.00068%); highest among the groups gnomAD compares: Non-Finnish European, 0.00093%; no homozygotes.

Submission:

CeGaT Center for Human Genetics Tuebingen
Classification: Uncertain significance. Last evaluated: 2024-04-01. Review status: criteria provided, single submitter. Criteria: CeGaT Center For Human Genetics Tuebingen Variant Classification Criteria Version 2. Collection method: clinical testing. Allele origin: germline. Affected: yes. Observed: 1 variant allele.
Comment: VPS16: PM2